The following is an entry in ClinVar:

NM_015335.5(MED13L):c.6548C>T (p.Pro2183Leu)

Gene: MED13L (mediator complex subunit 13L; minus strand). Cytogenetic location: 12q24.21.
Variant type: single nucleotide variant.
Coding change: c.6548C>T on transcript NM_015335.5 (MANE Select); coding-DNA position 6548, C replaced by T.
Protein change: p.Pro2183Leu; replaces proline 2183 with leucine.
Molecular consequence: missense variant.
Genome position (GRCh38, 1-based): chr12:115,961,351, G>A on the plus strand (C>T on the coding strand, the complement: MED13L is on the minus strand). VCF-style: chr12-115961351-G-A. GRCh37 (hg19) VCF-style: chr12-116399156-G-A.
Other names: short protein forms P2183L.
Identifiers: ClinVar variation 3025773 (VCV003025773.22), dbSNP rs151124575, ClinGen allele CA6810335.

ClinVar aggregate classification (germline): Uncertain significance (1 of 4 stars; one submission).

Allele frequency attached by ClinVar (database versions not stated): gnomAD exomes below 0.00001; ExAC 0.00001; gnomAD 0.00002; TOPMed 0.00002; ESP Exome Variant Server 0.00008.
gnomAD v4.1: 11 of 1,613,994 alleles (0.00068%); highest among the groups gnomAD compares: African/African-American, 0.0027%; no homozygotes.

Submission:

CeGaT Center for Human Genetics Tuebingen
Classification: Uncertain significance. Last evaluated: 2024-02-01. Review status: criteria provided, single submitter. Criteria: CeGaT Center For Human Genetics Tuebingen Variant Classification Criteria Version 2. Collection method: clinical testing. Allele origin: germline. Affected: yes. Observed: 1 variant allele.
Comment: MED13L: PM2:Supporting, PP2, PP3